The following is an entry in ClinVar:

ClinVar aggregate classification (germline): Uncertain significance (1 of 4 stars; one submission).

Allele frequency attached by ClinVar (database versions not stated): gnomAD exomes below 0.00001; gnomAD 0.00001.
gnomAD v4.1: 3 of 1,613,714 alleles (0.00019%); highest among the groups gnomAD compares: Non-Finnish European, 0.00025%; no homozygotes.

Submission:

Labcorp Genetics (formerly Invitae), Labcorp
Classification: Uncertain significance. Last evaluated: 2023-01-20. Review status: criteria provided, single submitter. Criteria: Invitae Variant Classification Sherloc (09022015). Collection method: clinical testing. Allele origin: germline.
Comment: This sequence change replaces aspartic acid, which is acidic and polar, with tyrosine, which is neutral and polar, at codon 1057 of the ANKRD26 protein (p.Asp1057Tyr). This variant is present in population databases (no rsID available, gnomAD 0.002%). This variant has not been reported in the literature in individuals affected with ANKRD26-related conditions. Algorithms developed to predict the effect of missense changes on protein structure and function are either unavailable or do not agree on the potential impact of this missense change (SIFT: "Deleterious"; PolyPhen-2: "Probably Damaging"; Align-GVGD: "Class C15"). In summary, the available evidence is currently insufficient to determine the role of this variant in disease. Therefore, it has been classified as a Variant of Uncertain Significance.

NM_014915.3(ANKRD26):c.3169G>T (p.Asp1057Tyr)

Gene: ANKRD26 (ankyrin repeat domain 26; minus strand). Cytogenetic location: 10p12.1.
Variant type: single nucleotide variant.
Coding change: c.3169G>T on transcript NM_014915.3 (MANE Select); coding-DNA position 3169, G replaced by T.
Protein change: p.Asp1057Tyr; replaces aspartic acid 1057 with tyrosine.
Molecular consequence: missense variant.
Genome position (GRCh38, 1-based): chr10:27,035,281, C>A on the plus strand (G>T on the coding strand, the complement: ANKRD26 is on the minus strand). VCF-style: chr10-27035281-C-A. GRCh37 (hg19) VCF-style: chr10-27324210-C-A.
Other names: c.3166G>T, p.Asp1056Tyr (NM_001256053.2); short protein forms D1056Y, D1057Y.
Identifiers: ClinVar variation 2830626 (VCV002830626.3), dbSNP rs969387790, ClinGen allele CA376363886.